The following is an entry in ClinVar:

ClinVar aggregate classification (germline): Likely pathogenic (1 of 4 stars; one submission).

Conditions:
Ataxia-telangiectasia syndrome (AT). Also called: ATAXIA-TELANGIECTASIA, COMPLEMENTATION GROUP A; ATAXIA-TELANGIECTASIA, FRESNO VARIANT; Ataxia-telangiectasia; Ataxia-telangiectasia, complementation group E; LOUIS-BAR SYNDROME; Cerebello-oculocutaneous telangiectasia. Identifiers: Orphanet 100, MedGen C0004135, MONDO:0008840, OMIM 208900.

Submission:

Labcorp Genetics (formerly Invitae), Labcorp
Classification: Likely pathogenic for Ataxia-telangiectasia syndrome. Last evaluated: 2024-03-01. Review status: criteria provided, single submitter. Criteria: Invitae Variant Classification Sherloc (09022015). Collection method: clinical testing. Allele origin: germline.
Comment: This sequence change falls in intron 49 of the ATM gene. It does not directly change the encoded amino acid sequence of the ATM protein. RNA analysis indicates that this variant induces altered splicing and may result in an absent or disrupted protein product. This variant is not present in population databases (gnomAD no frequency). This variant has been observed in individual(s) with ataxia-telangiectasia (PMID: 35221880). ClinVar contains an entry for this variant (Variation ID: 2078215). Studies have shown that this variant results in activation of a cryptic splice site and introduces a premature termination codon (PMID: 35221880; Invitae). The resulting mRNA is expected to undergo nonsense-mediated decay. In summary, the currently available evidence indicates that the variant is pathogenic, but additional data are needed to prove that conclusively. Therefore, this variant has been classified as Likely Pathogenic.

Literature cited by the submitters: PubMed 35221880.

NM_000051.4(ATM):c.7308-15A>G

Genes: ATM (ATM serine/threonine kinase; plus strand), C11orf65 (chromosome 11 open reading frame 65; minus strand). Cytogenetic location: 11q22.3.
Variant type: single nucleotide variant.
Coding change: c.7308-15A>G on transcript NM_000051.4 (MANE Select); 15 bases into the intron before coding-DNA position 7308, A replaced by G.
Molecular consequence: intron variant.
Genome position (GRCh38, 1-based): chr11:108,330,199, A>G. VCF-style: chr11-108330199-A-G. GRCh37 (hg19) VCF-style: chr11-108200926-A-G.
Other names: c.641-21128T>C (NM_001330368.2); c.*38+5021T>C (NM_001351110.2); c.7308-15A>G (NM_001351834.2).
Identifiers: ClinVar variation 2078215 (VCV002078215.4), dbSNP rs2136450266, ClinGen allele CA2580083342.